The following is an entry in ClinVar:

ClinVar aggregate classification (germline): Conflicting classifications of pathogenicity. Review status: criteria provided, conflicting classifications (1 of 4 stars). 4 submissions from 4 submitters: Pathogenic (1); Likely pathogenic (2); Uncertain significance (1). Last evaluated 2025-07-03.

Conditions:
Hereditary cancer-predisposing syndrome. Also called: Tumor predisposition; Neoplastic Syndromes, Hereditary; Hereditary Cancer Syndrome; Hereditary neoplastic syndrome. Identifiers: Orphanet 140162, MedGen C0027672, MeSH D009386, MONDO:0015356.
Cardiovascular phenotype. Identifiers: MedGen CN230736.
Neurofibromatosis, type 1 (NF1). Also called: Neurofibromatosis, type I; NEUROFIBROMATOSIS, TYPE I, SOMATIC; Peripheral type neurofibromatosis; VON RECKLINGHAUSEN DISEASE. Identifiers: Orphanet 636, MedGen C0027831, MONDO:0018975, OMIM 162200. Disease mechanism: loss of function.

Allele frequency attached by ClinVar (database versions not stated): gnomAD exomes below 0.00001.
gnomAD v4.1: 1 of 1,604,698 alleles (0.000062%); highest among the groups gnomAD compares: Non-Finnish European, 0.000085%; no homozygotes.

Submissions (4):

Ambry Genetics
Classification: Likely pathogenic for Cardiovascular phenotype; Hereditary cancer-predisposing syndrome. Last evaluated: 2025-07-03. Review status: criteria provided, single submitter. Criteria: Ambry Variant Classification Scheme 2023. Collection method: clinical testing. Allele origin: germline.
Comment: The c.1260+5G>C intronic variant results from a G to C substitution 5 nucleotides after coding exon 11 in the NF1 gene. This variant was reported in individual(s) with features consistent with Neurofibromatosis type 1(Ars E et al. J Med Genet, 2003 Jun;40:e82). This nucleotide position is highly conserved in available vertebrate species. In silico splice site analysis predicts that this alteration will weaken the native splice donor site. RNA studies have demonstrated that this alteration results in abnormal splicing in the set of samples tested (Ambry internal data). This variant is considered to be rare based on population cohorts in the Genome Aggregation Database (gnomAD). Based on the majority of available evidence to date, this variant is likely to be pathogenic.

Labcorp Genetics (formerly Invitae), Labcorp
Classification: Pathogenic for Neurofibromatosis, type 1. Last evaluated: 2025-05-30. Review status: criteria provided, single submitter. Criteria: Invitae Variant Classification Sherloc (09022015). Collection method: clinical testing. Allele origin: germline.
Comment: This sequence change falls in intron 11 of the NF1 gene. It does not directly change the encoded amino acid sequence of the NF1 protein. It affects a nucleotide within the consensus splice site. This variant is not present in population databases (gnomAD no frequency). This variant has been observed in individual(s) with clinical features of neurofibromatosis type 1 (PMID: 12807981; internal data). Invitae Evidence Modeling of clinical and family history, age, sex, and reported ancestry of multiple individuals with this NF1 variant has been performed. This variant is expected to be pathogenic with a positive predictive value of at least 99%. This is a validated machine learning model that incorporates the clinical features of 1,785,918 individuals referred to our laboratory for NF1 testing. ClinVar contains an entry for this variant (Variation ID: 404430). Variants that disrupt the consensus splice site are a relatively common cause of aberrant splicing (PMID: 17576681, 9536098). Algorithms developed to predict the effect of sequence changes on RNA splicing suggest that this variant may disrupt the consensus splice site. This variant disrupts the c.1260+5G nucleotide in the NF1 gene. Other variant(s) that disrupt this nucleotide have been determined to be pathogenic (PMID: 25074460, 29483232; internal data). This suggests that this nucleotide is clinically significant, and that variants that disrupt this position are likely to be disease-causing. For these reasons, this variant has been classified as Pathogenic.

3billion
Classification: Uncertain significance for Neurofibromatosis, type 1. Last evaluated: 2023-11-13. Review status: criteria provided, single submitter. Criteria: ACMG Guidelines, 2015. Collection method: clinical testing. Allele origin: germline. Affected: yes.
Comment: The variant is not observed in the gnomAD v2.1.1 dataset. Predicted Consequence/Location: Intron variant In silico tools predict the variant to alter splicing and produce an abnormal transcript [SpliceAI: 0.98 (>=0.2, moderate evidence for spliceogenicity)]. The variant has been reported to be associated with NF1 related disorder (ClinVar ID: VCV000404430 /PMID: 12807981). However, the evidence of pathogenicity is insufficient at this time. Therefore, this variant is classified as VUS according to the recommendation of ACMG/AMP guideline.

Juno Genomics, Hangzhou Juno Genomics, Inc
Classification: Likely pathogenic for Neurofibromatosis, type 1. Review status: criteria provided, single submitter. Criteria: ACMG Guidelines, 2015. Collection method: clinical testing. Allele origin: germline. Affected: yes.
Comment: Absent from controls (or at extremely low frequency if recessive) in Genome Aggregation Database, Exome Sequencing Project, 1000 Genomes Project, or Exome Aggregation Consortium.;Well-established in vitro or in vivo functional studies supportive of a damaging effect on the gene or gene product.;Assumed de novo, but without confirmation of paternity and maternity.;Patient's phenotype or family history is highly specific for a disease with a single genetic etiology.

Literature cited by the submitters: PubMed 12807981 (cited by 3 submitters); PubMed 17576681 (cited by Labcorp Genetics (formerly Invitae), Labcorp); PubMed 9536098 (cited by Labcorp Genetics (formerly Invitae), Labcorp); PubMed 25074460 (cited by Labcorp Genetics (formerly Invitae), Labcorp); PubMed 29483232 (cited by Labcorp Genetics (formerly Invitae), Labcorp).

NM_001042492.3(NF1):c.1260+5G>C

Gene: NF1 (neurofibromin 1; plus strand). Cytogenetic location: 17q11.2.
Variant type: single nucleotide variant.
Coding change: c.1260+5G>C on transcript NM_001042492.3 (MANE Select); 5 bases into the intron after coding-DNA position 1260, G replaced by C.
Molecular consequence: intron variant.
Genome position (GRCh38, 1-based): chr17:31,201,490, G>C. VCF-style: chr17-31201490-G-C. GRCh37 (hg19) VCF-style: chr17-29528508-G-C.
Other names: c.1260+5G>C (NM_000267.4, NM_001128147.3).
Identifiers: ClinVar variation 404430 (VCV000404430.12), dbSNP rs1060500253, ClinGen allele CA16615566.
Genomic context (GRCh38, chr17:31,201,490, plus strand): 5'-CACCTTCTACATTTCACTATGTGCTGGTAAATTCACTCCATCGAATCATCACCAATGTAA[G>C]TCCAAAAGGTATTGCTAAATTACTAAAAAAATTTTTTTCTTTCTTTTCTTTGCGTATTTC-3'